The following is an entry in ClinVar:

NM_001290043.2(TAP2):c.1690A>C (p.Ile564Leu)

Gene: TAP2 (transporter 2, ATP binding cassette subfamily B member; minus strand). Cytogenetic location: 6p21.32.
Variant type: single nucleotide variant.
Coding change: c.1690A>C on transcript NM_001290043.2 (MANE Select); coding-DNA position 1690, A replaced by C.
Protein change: p.Ile564Leu; replaces isoleucine 564 with leucine.
Molecular consequence: missense variant.
Genome position (GRCh38, 1-based): chr6:32,830,035, T>G on the plus strand (A>C on the coding strand, the complement: TAP2 is on the minus strand). VCF-style: chr6-32830035-T-G. GRCh37 (hg19) VCF-style: chr6-32797812-T-G.
Other names: c.1690A>C, p.Ile564Leu (NM_000544.3, NM_018833.3); short protein forms I564L.
Identifiers: ClinVar variation 862838 (VCV000862838.7), dbSNP rs766885222, ClinGen allele CA3745826.

ClinVar aggregate classification (germline): Uncertain significance. Review status: criteria provided, multiple submitters, no conflicts (2 of 4 stars). 3 submissions from 3 submitters: Uncertain significance (3). Last evaluated 2025-01-27.

Conditions:
MHC class I deficiency. Identifiers: Orphanet 34592, MedGen C6024714, MONDO:0011476.
Inborn genetic diseases. Identifiers: MedGen C0950123, MeSH D030342.

Allele frequency attached by ClinVar (database versions not stated): gnomAD exomes 0.00001; ExAC 0.00002; TOPMed 0.00003.
gnomAD v4.1: 10 of 1,612,944 alleles (0.00062%); highest among the groups gnomAD compares: Admixed American, 0.013%; no homozygotes.

Submissions (3):

Labcorp Genetics (formerly Invitae), Labcorp
Classification: Uncertain significance for MHC class I deficiency 1. Last evaluated: 2025-01-27. Review status: criteria provided, single submitter. Criteria: Invitae Variant Classification Sherloc (09022015). Collection method: clinical testing. Allele origin: germline.
Comment: This sequence change replaces isoleucine, which is neutral and non-polar, with leucine, which is neutral and non-polar, at codon 564 of the TAP2 protein (p.Ile564Leu). This variant is present in population databases (rs766885222, gnomAD 0.006%). This variant has not been reported in the literature in individuals affected with TAP2-related conditions. ClinVar contains an entry for this variant (Variation ID: 862838). Experimental studies and prediction algorithms are not available or were not evaluated, and the functional significance of this variant is currently unknown. In summary, the available evidence is currently insufficient to determine the role of this variant in disease. Therefore, it has been classified as a Variant of Uncertain Significance.

Blueprint Genetics
Classification: Uncertain significance. Last evaluated: 2021-09-24. Review status: criteria provided, single submitter. Criteria: ACMG Guidelines, 2015. Collection method: clinical testing. Allele origin: germline.

Ambry Genetics
Classification: Uncertain significance for Inborn genetic diseases. Last evaluated: 2021-08-16. Review status: criteria provided, single submitter. Criteria: Ambry Variant Classification Scheme 2023. Collection method: clinical testing. Allele origin: germline.